The following is an entry in ClinVar:

NM_002637.4(PHKA1):c.3488T>C (p.Leu1163Pro)

Gene: PHKA1 (phosphorylase kinase regulatory subunit alpha 1; minus strand). Cytogenetic location: Xq13.1.
Variant type: single nucleotide variant.
Coding change: c.3488T>C on transcript NM_002637.4 (MANE Select); coding-DNA position 3488, T replaced by C.
Protein change: p.Leu1163Pro; replaces leucine 1163 with proline.
Molecular consequence: missense variant.
Genome position (GRCh38, 1-based): chrX:72,582,408, A>G on the plus strand (T>C on the coding strand, the complement: PHKA1 is on the minus strand). VCF-style: chrX-72582408-A-G. GRCh37 (hg19) VCF-style: chrX-71802258-A-G.
Other names: c.3449T>C, p.Leu1150Pro (NM_001440787.1, NM_001122670.2); c.3272T>C, p.Leu1091Pro (NM_001440788.1, NM_001172436.2); c.3539T>C, p.Leu1180Pro (NM_001431068.1); short protein forms L1091P, L1163P, L1180P, L1150P.
Identifiers: ClinVar variation 4840426 (VCV004840426.1).
Genomic context (GRCh38, chrX:72,582,408, plus strand): 5'-AGGTTGGAGTAAAAACATTTCTCTATTGAGAAAACAACAGGTTTGCCTACCTGTTCTTGA[A>G]GGAACAAGTCATTGGCAATATGCACTATTTTTTCCACAGCAATGATGCTTCCGATGCTAT-3'
Protein context (NP_002628.2, residues 1153-1173): KIVHIANDLF[Leu1163Pro]QEQKTLGADD

ClinVar aggregate classification (germline): Uncertain significance (1 of 4 stars; one submission).

Conditions:
Inborn genetic diseases. Identifiers: MedGen C0950123, MeSH D030342.

Submission:

Ambry Genetics
Classification: Uncertain significance for Inborn genetic diseases. Last evaluated: 2026-02-24. Review status: criteria provided, single submitter. Criteria: Ambry Variant Classification Scheme 2023. Collection method: clinical testing. Allele origin: germline.
Comment: The c.3488T>C (p.L1163P) alteration is located in exon 31 (coding exon 31) of the PHKA1 gene. This alteration results from a T to C substitution at nucleotide position 3488, causing the leucine (L) at amino acid position 1163 to be replaced by a proline (P). Based on data from gnomAD, the C allele has an overall frequency of <0.001% (0/21948) total alleles studied. The highest observed frequency was <0.001% (/) of alleles. Based on insufficient or conflicting evidence, the clinical significance of this alteration remains unclear.